The following is an entry in ClinVar:

NM_001204.7(BMPR2):c.2101A>C (p.Ser701Arg)

Gene: BMPR2 (bone morphogenetic protein receptor type 2; plus strand). Cytogenetic location: 2q33.2.
Variant type: single nucleotide variant.
Coding change: c.2101A>C on transcript NM_001204.7 (MANE Select); coding-DNA position 2101, A replaced by C.
Protein change: p.Ser701Arg; replaces serine 701 with arginine.
Molecular consequence: missense variant.
Genome position (GRCh38, 1-based): chr2:202,555,766, A>C. VCF-style: chr2-202555766-A-C. GRCh37 (hg19) VCF-style: chr2-203420489-A-C.
Other names: short protein forms S701R.
Identifiers: ClinVar variation 4867653 (VCV004867653.1).
Genomic context (GRCh38, chr2:202,555,766, plus strand): 5'-TCTGATGAGAATCTCATGGAGCACTCTCTTAAACAGTTCAGTGGCCCAGACCCACTGAGC[A>C]GTACTAGTTCTAGCTTGCTTTACCCACTCATAAAACTTGCAGTAGAAGCAACTGGACAGC-3'
Protein context (NP_001195.2, residues 691-711): KQFSGPDPLS[Ser701Arg]TSSSLLYPLI

ClinVar aggregate classification (germline): Uncertain significance (1 of 4 stars; one submission).

Conditions:
Inborn genetic diseases. Identifiers: MedGen C0950123, MeSH D030342.

gnomAD v4.1: 1 of 1,614,196 alleles (0.000062%); highest among the groups gnomAD compares: Non-Finnish European, 0.000085%; no homozygotes.

Submission:

Ambry Genetics
Classification: Uncertain significance for Inborn genetic diseases. Last evaluated: 2026-06-04. Review status: criteria provided, single submitter. Criteria: Ambry Variant Classification Scheme 2023. Collection method: clinical testing. Allele origin: germline.
Comment: The p.S701R variant (also known as c.2101A>C), located in coding exon 12 of the BMPR2 gene, results from an A to C substitution at nucleotide position 2101. The serine at codon 701 is replaced by arginine, an amino acid with dissimilar properties. This amino acid position is conserved. In addition, the in silico prediction for this alteration is inconclusive. Based on the available evidence, the clinical significance of this variant remains unclear.